The following is an entry in ClinVar:

NM_172107.4(KCNQ2):c.792C>G (p.Tyr264Ter)

Gene: KCNQ2 (potassium voltage-gated channel subfamily Q member 2; minus strand). Cytogenetic location: 20q13.33.
Variant type: single nucleotide variant.
Coding change: c.792C>G on transcript NM_172107.4 (MANE Select); coding-DNA position 792, C replaced by G.
Protein change: p.Tyr264Ter; replaces tyrosine 264 with a stop codon.
Molecular consequence: nonsense.
Genome position (GRCh38, 1-based): chr20:63,442,430, G>C on the plus strand (C>G on the coding strand, the complement: KCNQ2 is on the minus strand). VCF-style: chr20-63442430-G-C. GRCh37 (hg19) VCF-style: chr20-62073783-G-C.
Other names: c.792C>G, p.Tyr264Ter (NM_001382235.1, NM_004518.6, NM_172106.3 and 2 more transcripts); short protein forms Y264*.
Identifiers: ClinVar variation 1431389 (VCV001431389.7), dbSNP rs143399744, ClinGen allele CA409653400.

ClinVar aggregate classification (germline): Pathogenic (1 of 4 stars; one submission).

Conditions:
Early-infantile DEE. Also called: Ohtahara syndrome; Early infantile epileptic encephalopathy with suppression bursts; Early infantile epileptic encephalopathy. Identifiers: Orphanet 1934, MedGen C0393706, MONDO:0800491.

Submission:

Labcorp Genetics (formerly Invitae), Labcorp
Classification: Pathogenic for Early-infantile DEE. Last evaluated: 2021-01-29. Review status: criteria provided, single submitter. Criteria: Invitae Variant Classification Sherloc (09022015). Collection method: clinical testing. Allele origin: germline.
Comment: This variant has not been reported in the literature in individuals with KCNQ2-related conditions. This sequence change creates a premature translational stop signal (p.Tyr264*) in the KCNQ2 gene. It is expected to result in an absent or disrupted protein product. Loss-of-function variants in KCNQ2 are known to be pathogenic (PMID: 14534157, 23692823, 27779742). This variant is not present in population databases (ExAC no frequency). Algorithms developed to predict the effect of sequence changes on RNA splicing suggest that this variant may create or strengthen a splice site, but this prediction has not been confirmed by published transcriptional studies. For these reasons, this variant has been classified as Pathogenic.

Literature cited by the submitters: PubMed 14534157; PubMed 23692823; PubMed 27779742.